The following is an entry in ClinVar:

ClinVar aggregate classification (germline): Uncertain significance (1 of 4 stars; one submission).

Conditions:
SLC35A2-congenital disorder of glycosylation. Also called: SLC35A2-CDG; CDG IIm; EPILEPTIC ENCEPHALOPATHY, EARLY INFANTILE, 22; CONGENITAL DISORDER OF GLYCOSYLATION, TYPE IIm, SOMATIC MOSAIC; DEVELOPMENTAL AND EPILEPTIC ENCEPHALOPATHY 22; CONGENITAL DISORDER OF GLYCOSYLATION, TYPE IIm. Identifiers: Orphanet 356961, MedGen C3806688, MONDO:0010478, OMIM 300896.

Submission:

Labcorp Genetics (formerly Invitae), Labcorp
Classification: Uncertain significance for SLC35A2-congenital disorder of glycosylation. Last evaluated: 2022-02-28. Review status: criteria provided, single submitter. Criteria: Invitae Variant Classification Sherloc (09022015). Collection method: clinical testing. Allele origin: germline.
Comment: This variant is not present in population databases (gnomAD no frequency). In summary, the available evidence is currently insufficient to determine the role of this variant in disease. Therefore, it has been classified as a Variant of Uncertain Significance. Algorithms developed to predict the effect of missense changes on protein structure and function are either unavailable or do not agree on the potential impact of this missense change (SIFT: "Tolerated"; PolyPhen-2: "Not Available"; Align-GVGD: "Class C0"). This variant has not been reported in the literature in individuals affected with SLC35A2-related conditions. This sequence change replaces proline, which is neutral and non-polar, with leucine, which is neutral and non-polar, at codon 13 of the SLC35A2 protein (p.Pro13Leu).

NM_005660.3(SLC35A2):c.38C>T (p.Pro13Leu)

Gene: SLC35A2 (solute carrier family 35 member A2; minus strand). Cytogenetic location: Xp11.23.
Variant type: single nucleotide variant.
Coding change: c.38C>T on transcript NM_005660.3 (MANE Select); coding-DNA position 38, C replaced by T.
Protein change: p.Pro13Leu; replaces proline 13 with leucine.
Molecular consequence: missense variant. On other transcripts: intron variant (1).
Genome position (GRCh38, 1-based): chrX:48,911,599, G>A on the plus strand (C>T on the coding strand, the complement: SLC35A2 is on the minus strand). VCF-style: chrX-48911599-G-A. GRCh37 (hg19) VCF-style: chrX-48768876-G-A.
Other names: c.38C>T, p.Pro13Leu (NM_001032289.3, NM_001042498.3, NM_001282647.2 and 3 more transcripts); c.19+260C>T (NM_001282648.2); short protein forms P13L.
Identifiers: ClinVar variation 2104269 (VCV002104269.4), dbSNP rs2519667529, ClinGen allele CA412898869.